The following is an entry in ClinVar:

ClinVar aggregate classification (germline): Uncertain significance (1 of 4 stars; one submission).

Conditions:
Familial adenomatous polyposis 1 (FAP1). Also called: POLYPOSIS, ADENOMATOUS INTESTINAL; FAMILIAL ADENOMATOUS POLYPOSIS 1, ATTENUATED. Identifiers: MedGen C2713442, MONDO:0021056, OMIM 175100. Disease mechanism: loss of function.

Submission:

Labcorp Genetics (formerly Invitae), Labcorp
Classification: Uncertain significance for Familial adenomatous polyposis 1. Last evaluated: 2023-02-26. Review status: criteria provided, single submitter. Criteria: Invitae Variant Classification Sherloc (09022015). Collection method: clinical testing. Allele origin: germline.
Comment: In summary, the available evidence is currently insufficient to determine the role of this variant in disease. Therefore, it has been classified as a Variant of Uncertain Significance. Experimental studies and prediction algorithms are not available or were not evaluated, and the functional significance of this variant is currently unknown. ClinVar contains an entry for this variant (Variation ID: 860090). This variant has not been reported in the literature in individuals affected with APC-related conditions. This variant is not present in population databases (gnomAD no frequency). This variant, c.7105_7119del, results in the deletion of 5 amino acid(s) of the APC protein (p.Pro2369_Met2373del), but otherwise preserves the integrity of the reading frame.

NM_000038.6(APC):c.7105_7119del (p.Pro2369_Met2373del)

Gene: APC (APC regulator of Wnt signaling pathway; plus strand). Cytogenetic location: 5q22.2.
Variant type: Deletion.
Coding change: c.7105_7119del on transcript NM_000038.6 (MANE Select); coding-DNA positions 7105 to 7119, 15 bases deleted (CCAGGTAGACAGATG).
Protein change: p.Pro2369_Met2373del.
Molecular consequence: inframe deletion.
Genome position (GRCh38, 1-based): chr5:112,842,699-112,842,713, CCAGGTAGACAGATG deleted. VCF-style (leftmost placement, unchanged base first): chr5-112842698-TCCAGGTAGACAGATG-T. GRCh37 (hg19) VCF-style: chr5-112178395-TCCAGGTAGACAGATG-T.
Other names: c.7105_7119del, p.Pro2369_Met2373del (NM_001127510.3, NM_001354895.2); c.7051_7065del, p.Pro2351_Met2355del (NM_001127511.3); c.7159_7173del, p.Pro2387_Met2391del (NM_001354896.2); c.7135_7149del, p.Pro2379_Met2383del (NM_001354897.2); c.7030_7044del, p.Pro2344_Met2348del (NM_001354898.2); c.7021_7035del, p.Pro2341_Met2345del (NM_001354899.2); c.6982_6996del, p.Pro2328_Met2332del (NM_001354900.2); c.6928_6942del, p.Pro2310_Met2314del (NM_001354901.2); and 5 more.
Identifiers: ClinVar variation 860090 (VCV000860090.11), dbSNP rs1766376594, ClinGen allele CA916080356.
Genomic context (GRCh38, chr5:112,842,698, plus strand): 5'-ATCATCCCCTAGTACTGCTTCAACTAAGTCCTCAGGTTCTGGAAAAATGTCATATACATC[TCCAGGTAGACAGATG>T]AGCCAACAGAACCTTACCAAACAAACAGGTTTATCCAAGAATGCCAGTAGTATTCCAAGA-3'